The following is an entry in ClinVar:

ClinVar aggregate classification (germline): Pathogenic/Likely pathogenic. Review status: criteria provided, multiple submitters, no conflicts (2 of 4 stars). 5 submissions from 5 submitters: Pathogenic (1); Likely pathogenic (3). 1 of the submissions does not count toward it. Last evaluated 2025-06-14.

Conditions:
Hereditary cancer-predisposing syndrome. Also called: Neoplastic Syndromes, Hereditary; Tumor predisposition; Hereditary neoplastic syndrome; Hereditary Cancer Syndrome. Identifiers: Orphanet 140162, MedGen C0027672, MeSH D009386, MONDO:0015356.
Hereditary breast ovarian cancer syndrome. Also called: Hereditary breast and ovarian cancer syndrome; Hereditary breast and ovarian cancer; Hereditary breast and ovarian cancer syndrome (HBOC); Breast and ovarian cancer; Hereditary breast and/or ovarian cancer syndrome; BRCA1- and BRCA2-Associated Hereditary Breast and Ovarian Cancer. Identifiers: Orphanet 145, MedGen C0677776, MeSH D061325, MONDO:0003582. Disease mechanism: loss of function.
Breast-ovarian cancer, familial, susceptibility to, 2 (BROVCA2). Also called: BRCA2 Hereditary Breast and Ovarian Cancer. Identifiers: Orphanet 145, MedGen C2675520, MONDO:0012933, OMIM 612555. Disease mechanism: loss of function.

Submissions (5):

Ambry Genetics
Classification: Likely pathogenic for Hereditary cancer-predisposing syndrome. Last evaluated: 2025-06-14. Review status: criteria provided, single submitter. Criteria: Ambry Variant Classification Scheme 2023. Collection method: clinical testing. Allele origin: germline.
Comment: The c.7007+5G>C intronic variant results from a G to C substitution 5 nucleotides after coding exon 12 in the BRCA2 gene. This nucleotide position is well conserved in available vertebrate species. In silico splice site analysis predicts that this alteration may weaken the native splice donor site. RNA studies have demonstrated that this alteration results in abnormal splicing in the set of samples tested (Ambry internal data). Several close-match alterations that are expected to have a similar splicing profile, BRCA2 c.7007G>A and BRCA2 c.7007G>C, have been observed in multiple individuals with Fanconi Anemia (Meng L et al. JAMA Pediatr. 2017 12;171(12):e173438; Barber LM et al. Br. J. Haematol. 2005 Sep;130:796-7). Based on the majority of available evidence to date, this variant is likely to be pathogenic. However, because several variants in this region with similar splicing profiles were identified in individuals with Fanconi Anemia, this variant may be hypomorphic and thus carriers of this variant and their families may present with reduced risks, and not with the typical clinical characteristics of a high-risk pathogenic BRCA2 alteration. As risk estimates are unknown at this time, clinical correlation is advised.

Color Diagnostics, LLC DBA Color Health
Classification: Likely pathogenic for Hereditary cancer-predisposing syndrome. Last evaluated: 2025-06-04. Review status: criteria provided, single submitter. Criteria: ACMG Guidelines, 2015. Collection method: clinical testing. Allele origin: germline.
Comment: This variant causes a G to C nucleotide substitution at the +5 position of intron 13 of the BRCA2 gene, resulting in the loss of the conserved +5G nucleotide in the intron 13 splice donor site. A splicing prediction program indicates that this substitution would have a deleterious impact on splicing (PMID: 30661751). A functional study has reported that this variant impaired BRCA2 function in a sensitivity assays to cisplatin and PARP inhibitor (PMID: 37713444). A multifactorial analysis has reported likelihood ratios (LR) reaching a combined LR = 41.638 based on segregation, family history, tumor pathology and co-occurrence with a pathogenic variant (PMID: 31131967). A different substitution at the same position, c.7007+5G>A, has been reported as disease-causing in ClinVar (variation ID: 52239). This variant has not been identified in the general population by the Genome Aggregation Database (gnomAD). Based on the available evidence, this variant is classified as Likely Pathogenic.

Myriad Genetics, Inc.
Classification: Likely pathogenic for Breast-ovarian cancer, familial, susceptibility to, 2. Last evaluated: 2024-12-27. Review status: criteria provided, single submitter. Criteria: Myriad Autosomal Dominant, Autosomal Recessive and X-Linked Classification Criteria (2023). Collection method: clinical testing. Allele origin: unknown.
Comment: This variant is considered likely pathogenic. mRNA analysis has demonstrated abnormal mRNA splicing occurs [Myriad internal data].

Labcorp Genetics (formerly Invitae), Labcorp
Classification: Pathogenic for Hereditary breast ovarian cancer syndrome. Last evaluated: 2023-08-25. Review status: criteria provided, single submitter. Criteria: Invitae Variant Classification Sherloc (09022015). Collection method: clinical testing. Allele origin: germline.
Comment: This variant is not present in population databases (gnomAD no frequency). This sequence change falls in intron 13 of the BRCA2 gene. It does not directly change the encoded amino acid sequence of the BRCA2 protein. RNA analysis indicates that this variant induces altered splicing and may result in an absent or disrupted protein product. This variant has not been reported in the literature in individuals affected with BRCA2-related conditions. For these reasons, this variant has been classified as Pathogenic. This variant disrupts the c.7007+5G nucleotide in the BRCA2 gene. Other variant(s) that disrupt this nucleotide have been determined to be pathogenic (PMID: 9536098, 17576681, 30254663; Invitae). This suggests that this nucleotide is clinically significant, and that variants that disrupt this position are likely to be disease-causing. Variants that disrupt the consensus splice site are a relatively common cause of aberrant splicing (PMID: 17576681, 9536098). Studies have shown that this variant results in skipping of exon 13 and skipping of exons 12 and 13 and introduces a premature termination codon (Invitae). The resulting mRNA is expected to undergo nonsense-mediated decay. Based on a multifactorial likelihood algorithm using genetic, in silico, and/or statistical data, this variant has been determined to have a high probability of being pathogenic (PMID: 31131967). ClinVar contains an entry for this variant (Variation ID: 52240).

Breast Cancer Information Core (BIC) (BRCA2)
Classification: Uncertain significance for Breast-ovarian cancer, familial 2. Review status: no assertion criteria provided. Collection method: clinical testing. Allele origin: germline. Affected: yes. Observed: 1 variant allele. Not counted in ClinVar's aggregate classification.

Literature cited by the submitters: PubMed 30661751 (cited by Color Diagnostics, LLC DBA Color Health); PubMed 31131967 (cited by Color Diagnostics, LLC DBA Color Health and Labcorp Genetics (formerly Invitae), Labcorp); PubMed 37713444 (cited by Color Diagnostics, LLC DBA Color Health); PubMed 9536098 (cited by Labcorp Genetics (formerly Invitae), Labcorp); PubMed 17576681 (cited by Labcorp Genetics (formerly Invitae), Labcorp); PubMed 30254663 (cited by Labcorp Genetics (formerly Invitae), Labcorp).

NM_000059.4(BRCA2):c.7007+5G>C

Gene: BRCA2 (BRCA2 DNA repair associated; plus strand). Cytogenetic location: 13q13.1.
Variant type: single nucleotide variant.
Coding change: c.7007+5G>C on transcript NM_000059.4 (MANE Select); 5 bases into the intron after coding-DNA position 7007, G replaced by C.
Molecular consequence: intron variant.
Genome position (GRCh38, 1-based): chr13:32,346,901, G>C. VCF-style: chr13-32346901-G-C. GRCh37 (hg19) VCF-style: chr13-32921038-G-C.
Other names: IVS13+5G>C.
Identifiers: ClinVar variation 52240 (VCV000052240.12), dbSNP rs81002816, ClinGen allele CA024710.